The following is an entry in ClinVar:

NM_001378687.1(ATP2C1):c.2127-1G>A

Gene: ATP2C1 (ATPase secretory pathway Ca2+ transporting 1; plus strand). Cytogenetic location: 3q22.1.
Variant type: single nucleotide variant.
Coding change: c.2127-1G>A on transcript NM_001378687.1 (MANE Select); the canonical splice acceptor site of the intron before coding-DNA position 2127, G replaced by A.
Molecular consequence: splice acceptor variant.
Genome position (GRCh38, 1-based): chr3:130,996,679, G>A. VCF-style: chr3-130996679-G-A. GRCh37 (hg19) VCF-style: chr3-130715523-G-A.
Other names: NC_000003.11:g.130715523G>A; c.2229-1G>A (NM_001378511.1, NM_001199180.2, NM_001199181.3); c.2112-1G>A (NM_001199182.2); c.2127-1G>A (NM_001001486.2, NM_001001487.2, NM_001001485.3 and 5 more transcripts); c.2079-1G>A (NM_001378514.1, NM_001199183.2, NM_001199184.3).
Identifiers: ClinVar variation 4521130 (VCV004521130.2).

ClinVar aggregate classification (germline): Likely pathogenic (1 of 4 stars; one submission).

Submissions (2):

Labcorp Genetics (formerly Invitae), Labcorp
Classification: Likely pathogenic. Last evaluated: 2025-10-24. Review status: criteria provided, single submitter. Criteria: Invitae Variant Classification Sherloc (09022015). Collection method: clinical testing. Allele origin: germline.
Comment: This sequence change affects an acceptor splice site in intron 22 of the ATP2C1 gene. It is expected to disrupt RNA splicing. Variants that disrupt the donor or acceptor splice site typically lead to a loss of protein function (PMID: 16199547), and loss-of-function variants in ATP2C1 are known to be pathogenic (PMID: 10615129, 10767338, 11841554). This variant is not present in population databases (gnomAD no frequency). This variant has not been reported in the literature in individuals affected with ATP2C1-related conditions. Algorithms developed to predict the effect of sequence changes on RNA splicing suggest that this variant may disrupt the consensus splice site. In summary, the currently available evidence indicates that the variant is pathogenic, but additional data are needed to prove that conclusively. Therefore, this variant has been classified as Likely Pathogenic.

Dr. Peter K. Rogan Lab, Western University
No classification provided (evidence only). Condition: Melanoma. Review status: no classification provided. Collection method: in vitro. Allele origin: not applicable. Functional consequence: retained intron. Not counted in ClinVar's aggregate classification.

Literature cited by the submitters: PubMed 16199547 (cited by Labcorp Genetics (formerly Invitae), Labcorp); PubMed 10615129 (cited by Labcorp Genetics (formerly Invitae), Labcorp); PubMed 10767338 (cited by Labcorp Genetics (formerly Invitae), Labcorp); PubMed 11841554 (cited by Labcorp Genetics (formerly Invitae), Labcorp).